The following is an entry in ClinVar:

NC_000007.13:g.(?_124464016)_(124537227_?)del

Gene: POT1 (protection of telomeres 1; minus strand). Cytogenetic location: 7q31.33.
Variant type: Deletion.
Identifiers: ClinVar variation 2426152 (VCV002426152.4).

ClinVar aggregate classification (germline): Pathogenic (1 of 4 stars; one submission).

Conditions:
Tumor predisposition syndrome 3 (TPDS3). Also called: Melanoma, cutaneous malignant, susceptibility to, 10; Glioma susceptibility 9; LONG TELOMERE SYNDROME, POT1-RELATED; POT1 Tumor Predisposition. Identifiers: Orphanet 618, MedGen C4014476, MONDO:0014368, OMIM 615848.

Submission:

Labcorp Genetics (formerly Invitae), Labcorp
Classification: Pathogenic for Tumor predisposition syndrome 3. Last evaluated: 2022-11-01. Review status: criteria provided, single submitter. Criteria: Invitae Variant Classification Sherloc (09022015). Collection method: clinical testing. Allele origin: germline.
Comment: A gross deletion of the genomic region encompassing the full coding sequence of the POT1 gene has been identified. Loss-of-function variants in POT1 are known to be pathogenic (PMID: 32155570). The boundaries of this event are unknown as they extend beyond the assayed region for this gene and therefore may encompass additional genes. This variant has not been reported in the literature in individuals affected with POT1-related conditions. For these reasons, this variant has been classified as Pathogenic.

Literature cited by the submitters: PubMed 32155570.